The following is an entry in ClinVar:

NM_181882.3(PRX):c.2666C>A (p.Ala889Glu)

Gene: PRX (periaxin; minus strand). Cytogenetic location: 19q13.2.
Variant type: single nucleotide variant.
Coding change: c.2666C>A on transcript NM_181882.3 (MANE Select); coding-DNA position 2666, C replaced by A.
Protein change: p.Ala889Glu; replaces alanine 889 with glutamic acid.
Molecular consequence: missense variant. On other transcripts: 3 prime UTR variant (1).
Genome position (GRCh38, 1-based): chr19:40,395,686, G>T on the plus strand (C>A on the coding strand, the complement: PRX is on the minus strand). VCF-style: chr19-40395686-G-T. GRCh37 (hg19) VCF-style: chr19-40901593-G-T.
Other names: c.*2871C>A (NM_020956.2); short protein forms A889E.
Identifiers: ClinVar variation 1491085 (VCV001491085.8), dbSNP rs2145728054, ClinGen allele CA405895823.

ClinVar aggregate classification (germline): Uncertain significance (1 of 4 stars; one submission).

Conditions:
Charcot-Marie-Tooth disease type 4. Also called: Charcot-Marie-Tooth, Type 4; Charcot-Marie-Tooth disease, type IV. Identifiers: Orphanet 64749, MedGen C4082197, MONDO:0018995.

Submission:

Labcorp Genetics (formerly Invitae), Labcorp
Classification: Uncertain significance for Charcot-Marie-Tooth disease type 4. Last evaluated: 2021-03-08. Review status: criteria provided, single submitter. Criteria: Invitae Variant Classification Sherloc (09022015). Collection method: clinical testing. Allele origin: germline.
Comment: In summary, the available evidence is currently insufficient to determine the role of this variant in disease. Therefore, it has been classified as a Variant of Uncertain Significance. Algorithms developed to predict the effect of missense changes on protein structure and function output the following: SIFT: "Deleterious"; PolyPhen-2: "Possibly Damaging"; Align-GVGD: "Class C0". The glutamic acid amino acid residue is found in multiple mammalian species, suggesting that this missense change does not adversely affect protein function. These predictions have not been confirmed by published functional studies and their clinical significance is uncertain. This variant has not been reported in the literature in individuals with PRX-related conditions. This variant is not present in population databases (ExAC no frequency). This sequence change replaces alanine with glutamic acid at codon 889 of the PRX protein (p.Ala889Glu). The alanine residue is weakly conserved and there is a moderate physicochemical difference between alanine and glutamic acid.